The following is an entry in ClinVar:

NM_001905.4(CTPS1):c.1132A>G (p.Thr378Ala)

Gene: CTPS1 (CTP synthase 1; plus strand). Cytogenetic location: 1p34.2.
Variant type: single nucleotide variant.
Coding change: c.1132A>G on transcript NM_001905.4 (MANE Select); coding-DNA position 1132, A replaced by G.
Protein change: p.Thr378Ala; replaces threonine 378 with alanine.
Molecular consequence: missense variant. On other transcripts: non-coding transcript variant (1).
Genome position (GRCh38, 1-based): chr1:41,002,197, A>G. VCF-style: chr1-41002197-A-G. GRCh37 (hg19) VCF-style: chr1-41467869-A-G.
Other names: c.664A>G, p.Thr222Ala (NM_001301237.2); short protein forms T222A, T378A.
Identifiers: ClinVar variation 2169522 (VCV002169522.4), dbSNP rs1642919686, ClinGen allele CA339905443.
Genomic context (GRCh38, chr1:41,002,197, plus strand): 5'-TTGTGGTTTGTTCTTTTGTGCAGTGGAGTGCTGGTTCCAGGAGGATTTGGTGTTCGAGGA[A>G]CAGAAGGAAAAATCCAAGCAATTGCCTGGGCTCGGAATCAGAAAAAGCCTTTTTTGGGTA-3'
Protein context (NP_001896.2, residues 368-388): LVPGGFGVRG[Thr378Ala]EGKIQAIAWA

ClinVar aggregate classification (germline): Uncertain significance (1 of 4 stars; one submission).

Conditions:
Combined immunodeficiency due to CTPS1 deficiency. Also called: Immunodeficiency 24; Severe combined immunodeficiency due to CTPS1 deficiency. Identifiers: Orphanet 420573, MedGen C4014617, MONDO:0014391, OMIM 615897.

gnomAD v4.1: 1 of 1,614,220 alleles (0.000062%); highest among the groups gnomAD compares: Admixed American, 0.0017%; no homozygotes.

Submission:

Labcorp Genetics (formerly Invitae), Labcorp
Classification: Uncertain significance for Combined immunodeficiency due to CTPS1 deficiency. Last evaluated: 2022-05-07. Review status: criteria provided, single submitter. Criteria: Invitae Variant Classification Sherloc (09022015). Collection method: clinical testing. Allele origin: germline.
Comment: This variant is not present in population databases (gnomAD no frequency). In summary, the available evidence is currently insufficient to determine the role of this variant in disease. Therefore, it has been classified as a Variant of Uncertain Significance. Algorithms developed to predict the effect of missense changes on protein structure and function (SIFT, PolyPhen-2, Align-GVGD) all suggest that this variant is likely to be tolerated. This variant has not been reported in the literature in individuals affected with CTPS1-related conditions. This sequence change replaces threonine, which is neutral and polar, with alanine, which is neutral and non-polar, at codon 378 of the CTPS1 protein (p.Thr378Ala).